The following is an entry in ClinVar:

ClinVar aggregate classification (germline): Likely pathogenic (1 of 4 stars; one submission).

Conditions:
Mitochondrial complex I deficiency, nuclear type 17. Also called: Mitochondrial complex 1 deficiency, nuclear type 17. Identifiers: MedGen C4748786, MONDO:0032622, OMIM 618239.

gnomAD v4.1: 1 of 1,613,470 alleles (0.000062%); highest among the groups gnomAD compares: Non-Finnish European, 0.000085%; no homozygotes.

Submission:

3billion
Classification: Likely pathogenic for Mitochondrial complex I deficiency, nuclear type 17. Last evaluated: 2023-10-17. Review status: criteria provided, single submitter. Criteria: ACMG Guidelines, 2015. Collection method: clinical testing. Allele origin: germline. Affected: yes.
Comment: The variant is not observed in the gnomAD v2.1.1 dataset. Predicted Consequence/Location: Canonical splice site: predicted to alter splicing and result in a loss or disruption of normal protein function. Multiple pathogenic loss-of-function variants are reported downstream of the variant. Therefore, this variant is classified as Likely pathogenic according to the recommendation of ACMG/AMP guideline.

NM_152416.4(NDUFAF6):c.198-2A>C

Gene: NDUFAF6 (NADH:ubiquinone oxidoreductase complex assembly factor 6; plus strand). Cytogenetic location: 8q22.1.
Variant type: single nucleotide variant.
Coding change: c.198-2A>C on transcript NM_152416.4 (MANE Select); the canonical splice acceptor site of the intron before coding-DNA position 198, A replaced by C.
Molecular consequence: splice acceptor variant. On other transcripts: intron variant (1).
Genome position (GRCh38, 1-based): chr8:95,031,993, A>C. VCF-style: chr8-95031993-A-C. GRCh37 (hg19) VCF-style: chr8-96044221-A-C.
Other names: c.-83-2A>C (NM_001354521.2, NM_001354514.2, NM_001354515.2 and 1 more transcripts); c.-251-2A>C (NM_001354519.2); c.-485-2A>C (NM_001354530.2); c.-452-2A>C (NM_001354533.2); c.-383-2A>C (NM_001354529.2, NM_001354522.2); c.-481-2A>C (NM_001354531.2); c.-36-3461A>C (NM_001354517.2); c.-136-2A>C (NM_001354534.2); and 6 more.
Identifiers: ClinVar variation 3775662 (VCV003775662.1).